The following is an entry in ClinVar:

NM_001042492.3(NF1):c.5327C>G (p.Ser1776Ter)

Gene: NF1 (neurofibromin 1; plus strand). Cytogenetic location: 17q11.2.
Variant type: single nucleotide variant.
Coding change: c.5327C>G on transcript NM_001042492.3 (MANE Select); coding-DNA position 5327, C replaced by G.
Protein change: p.Ser1776Ter; replaces serine 1776 with a stop codon.
Molecular consequence: nonsense.
Genome position (GRCh38, 1-based): chr17:31,327,557, C>G. VCF-style: chr17-31327557-C-G. GRCh37 (hg19) VCF-style: chr17-29654575-C-G.
Other names: c.5264C>G, p.Ser1755Ter (NM_000267.4); short protein forms S1776*, S1755*.
Identifiers: ClinVar variation 960019 (VCV000960019.19), dbSNP rs2069376973, ClinGen allele CA399009152.

ClinVar aggregate classification (germline): Pathogenic. Review status: criteria provided, multiple submitters, no conflicts (2 of 4 stars). 7 submissions from 7 submitters: Pathogenic (7). Last evaluated 2026-02-26.

Conditions:
Hereditary cancer-predisposing syndrome. Also called: Hereditary neoplastic syndrome; Tumor predisposition; Neoplastic Syndromes, Hereditary; Hereditary Cancer Syndrome. Identifiers: Orphanet 140162, MedGen C0027672, MeSH D009386, MONDO:0015356.
Cardiovascular phenotype. Identifiers: MedGen CN230736.
Neurofibromatosis-Noonan syndrome (NFNS). Also called: NEUROFIBROMATOSIS WITH NOONAN PHENOTYPE. Identifiers: Orphanet 638, MedGen C2931482, MONDO:0011035, OMIM 601321. Disease mechanism: loss of function.
Café-au-lait macules with pulmonary stenosis (WTSN). Also called: PULMONIC STENOSIS WITH CAFE-AU-LAIT SPOTS. Identifiers: MedGen C0553586, MONDO:0008672, OMIM 193520.
Neurofibromatosis, type 1 (NF1). Also called: Peripheral type neurofibromatosis; VON RECKLINGHAUSEN DISEASE; NEUROFIBROMATOSIS, TYPE I, SOMATIC; Neurofibromatosis, type I. Identifiers: Orphanet 636, MedGen C0027831, MONDO:0018975, OMIM 162200. Disease mechanism: loss of function.

Submissions (7):

NHS Central & South Genomic Laboratory Hub
Classification: Pathogenic for Neurofibromatosis type 1. Last evaluated: 2026-02-26. Review status: criteria provided, single submitter. Criteria: ACMG Guidelines, 2015. Collection method: clinical testing. Allele origin: germline. Affected: yes.

Labcorp Genetics (formerly Invitae), Labcorp
Classification: Pathogenic for Neurofibromatosis, type 1. Last evaluated: 2025-04-01. Review status: criteria provided, single submitter. Criteria: Invitae Variant Classification Sherloc (09022015). Collection method: clinical testing. Allele origin: germline.
Comment: This sequence change creates a premature translational stop signal (p.Ser1755*) in the NF1 gene. It is expected to result in an absent or disrupted protein product. Loss-of-function variants in NF1 are known to be pathogenic (PMID: 10712197, 23913538). This variant is not present in population databases (gnomAD no frequency). This premature translational stop signal has been observed in individuals with neurofibromatosis type 1 (PMID: 10862084, 16835897, 23758643, 31370276). ClinVar contains an entry for this variant (Variation ID: 960019). For these reasons, this variant has been classified as Pathogenic.

GeneDx
Classification: Pathogenic. Last evaluated: 2024-04-20. Review status: criteria provided, single submitter. Criteria: GeneDx Variant Classification Process June 2021. Collection method: clinical testing. Allele origin: germline. Affected: yes.
Comment: Nonsense variant predicted to result in protein truncation or nonsense mediated decay in a gene for which loss of function is a known mechanism of disease; Not observed at significant frequency in large population cohorts (gnomAD); This variant is associated with the following publications: (PMID: 19292874, 25525159, 24789688, 15146469, 10862084, 31370276)

Ambry Genetics
Classification: Pathogenic for Cardiovascular phenotype; Hereditary cancer-predisposing syndrome. Last evaluated: 2024-01-31. Review status: criteria provided, single submitter. Criteria: Ambry Variant Classification Scheme 2023. Collection method: clinical testing. Allele origin: germline.
Comment: The c.5264C>G (p.S1755*) alteration, located in coding exon 37 of the NF1 gene, results from a C to G substitution at nucleotide position 5264. This changes the amino acid from a serine (S) to a stop codon at amino acid position 1755. This alteration is expected to result in loss of function by premature protein truncation or nonsense-mediated mRNA decay. This variant was not reported in population-based cohorts in the Genome Aggregation Database (gnomAD). This variant has been detected in several individuals diagnosed with neurofibromatosis type 1 (NF1) (Messiaen, 2000; De Luca, 2004; Lee, 2006; Nemethova, 2013; Giugliano, 2019). Based on the available evidence, this alteration is classified as pathogenic.

Genome-Nilou Lab
Classification: Pathogenic for Neurofibromatosis, type 1. Last evaluated: 2022-03-15. Review status: criteria provided, single submitter. Criteria: ACMG Guidelines, 2015. Collection method: clinical testing. Allele origin: germline. Affected: no.

Genome Diagnostics Laboratory, The Hospital for Sick Children
Classification: Pathogenic for Neurofibromatosis, type 1. Last evaluated: 2020-10-26. Review status: criteria provided, single submitter. Criteria: ACMG Guidelines, 2015. Collection method: clinical testing. Allele origin: germline. Affected: yes.

Juno Genomics, Hangzhou Juno Genomics, Inc
Classification: Pathogenic for Neurofibromatosis, type 1. Review status: criteria provided, single submitter. Criteria: ACMG Guidelines, 2015. Collection method: clinical testing. Allele origin: germline. Affected: yes.
Comment: Absent from controls (or at extremely low frequency if recessive) in Genome Aggregation Database, Exome Sequencing Project, 1000 Genomes Project, or Exome Aggregation Consortium.;Null variant in a gene where loss of function (LOF) is a known mechanism of disease.;The prevalence of the variant in affected individuals is significantly increased compared to the prevalence in controls.;Patient's phenotype or family history is highly specific for a disease with a single genetic etiology.;Assumed de novo, but without confirmation of paternity and maternity.

Literature cited by the submitters: PubMed 10712197 (cited by Labcorp Genetics (formerly Invitae), Labcorp); PubMed 23913538 (cited by Labcorp Genetics (formerly Invitae), Labcorp); PubMed 10862084 (cited by Labcorp Genetics (formerly Invitae), Labcorp); PubMed 16835897 (cited by Labcorp Genetics (formerly Invitae), Labcorp); PubMed 23758643 (cited by Labcorp Genetics (formerly Invitae), Labcorp); PubMed 31370276 (cited by Labcorp Genetics (formerly Invitae), Labcorp).